The following is an entry in ClinVar:

ClinVar aggregate classification (germline): Conflicting classifications of pathogenicity. Review status: criteria provided, conflicting classifications (1 of 4 stars). 6 submissions from 6 submitters: Uncertain significance (5); Likely benign (1). Last evaluated 2025-09-09.

Conditions:
Hereditary spastic paraplegia 15 (SPG15). Also called: SPASTIC PARAPLEGIA 15, AUTOSOMAL RECESSIVE; SPASTIC PARAPLEGIA AND RETINAL DEGENERATION; KJELLIN SYNDROME. Identifiers: Orphanet 100996, MedGen C1849128, MONDO:0010044, OMIM 270700.
Spastic paraplegia. Identifiers: MedGen C0037772, HP:0001258.
Hereditary spastic paraplegia. Also called: Familial spastic paraparesis. Identifiers: Orphanet 685, MedGen C0037773, MONDO:0019064. Disease mechanism: loss of function.

Submissions (6):

Labcorp Genetics (formerly Invitae), Labcorp
Classification: Likely benign for Spastic paraplegia. Last evaluated: 2025-09-09. Review status: criteria provided, single submitter. Criteria: Invitae Variant Classification Sherloc (09022015). Collection method: clinical testing. Allele origin: germline.

Blueprint Genetics
Classification: Uncertain significance. Last evaluated: 2024-11-21. Review status: criteria provided, single submitter. Criteria: ACMG Guidelines, 2015. Collection method: clinical testing. Allele origin: germline.

GeneDx
Classification: Uncertain significance. Last evaluated: 2024-03-19. Review status: criteria provided, single submitter. Criteria: GeneDx Variant Classification Process June 2021. Collection method: clinical testing. Allele origin: germline. Affected: yes.
Comment: In-frame deletion of 2 amino acids in a non-repeat region; In silico analysis supports a deleterious effect on protein structure/function; Has not been previously published as pathogenic or benign to our knowledge

Department of Pathology and Laboratory Medicine, Sinai Health System
Classification: Uncertain significance for Hereditary spastic paraplegia 15. Last evaluated: 2021-07-30. Review status: criteria provided, single submitter. Criteria: ACMG Guidelines, 2015. Collection method: research. Allele origin: germline.

CeGaT Center for Human Genetics Tuebingen
Classification: Uncertain significance. Last evaluated: 2017-02-01. Review status: criteria provided, single submitter. Criteria: CeGaT Center For Human Genetics Tuebingen Variant Classification Criteria Version 2. Collection method: clinical testing. Allele origin: germline. Affected: yes. Observed: 1 variant allele.

Genome Diagnostics Laboratory, The Hospital for Sick Children
Classification: Uncertain significance for Hereditary spastic paraplegia. Last evaluated: 2016-12-12. Review status: criteria provided, single submitter. Criteria: ACMG Guidelines, 2015. Collection method: clinical testing. Allele origin: germline. Affected: yes.

NM_015346.4(ZFYVE26):c.3248_3253del (p.Leu1083_Ser1084del)

Gene: ZFYVE26 (zinc finger FYVE-type containing 26; minus strand). Cytogenetic location: 14q24.1.
Variant type: Deletion.
Coding change: c.3248_3253del on transcript NM_015346.4 (MANE Select); coding-DNA positions 3248 to 3253, 6 bases deleted (TCTCCC; older notation c.3248_3253delTCTCCC).
Protein change: p.Leu1083_Ser1084del.
Molecular consequence: inframe deletion.
Genome position (GRCh38, 1-based): chr14:67,785,909-67,785,914, GGGAGA deleted on the plus strand (TCTCCC on the coding strand, the reverse complement: ZFYVE26 is on the minus strand); deleting any 6 consecutive bases within chr14:67,785,909-67,785,917 gives the same sequence; the c. name uses the placement nearest the transcript's 3' end. VCF-style (leftmost placement, unchanged base first): chr14-67785908-TGGGAGA-T. GRCh37 (hg19) VCF-style: chr14-68252625-TGGGAGA-T.
Other names: c.3248_3253del (NM_015346.3).
Identifiers: ClinVar variation 406182 (VCV000406182.57), dbSNP rs761454264, ClinGen allele CA7240042.